The following is an entry in ClinVar:

ClinVar aggregate classification (germline): Pathogenic (1 of 4 stars; one submission).

Conditions:
Cohen syndrome (COH1). Also called: PEPPER SYNDROME; Cutis verticis gyrata, retinitis pigmentosa, and sensorineural deafness. Identifiers: Orphanet 193, MedGen C0265223, MONDO:0008999, OMIM 216550.

Submission:

3billion
Classification: Pathogenic for Cohen syndrome. Last evaluated: 2022-01-03. Review status: criteria provided, single submitter. Criteria: ACMG Guidelines, 2015. Collection method: clinical testing. Allele origin: germline. Affected: yes. Observed: 1 homozygote.
Comment: Stop-gained (nonsense): predicted to result in a loss or disruption of normal protein function through nonsense-mediated decay (NMD) or protein truncation. Multiple pathogenic variants are reported downstream of the variant (PVS1_VS). It is not observed in the gnomAD v2.1.1 dataset (PM2_M). Patient’s phenotype is considered compatible with VPS13B-related disorder (PP4_P). Therefore, this variant is classified as pathogenic according to the recommendation of ACMG/AMP guideline.

NM_152564.5(VPS13B):c.2905C>T (p.Gln969Ter)

Gene: VPS13B (vacuolar protein sorting 13 homolog B; plus strand). Cytogenetic location: 8q22.2.
Variant type: single nucleotide variant.
Coding change: c.2905C>T on transcript NM_152564.5 (MANE Select); coding-DNA position 2905, C replaced by T.
Protein change: p.Gln969Ter; replaces glutamine 969 with a stop codon.
Molecular consequence: nonsense.
Genome position (GRCh38, 1-based): chr8:99,384,288, C>T. VCF-style: chr8-99384288-C-T. GRCh37 (hg19) VCF-style: chr8-100396516-C-T.
Other names: c.2905C>T, p.Gln969Ter (NM_017890.5); short protein forms Q969*.
Identifiers: ClinVar variation 1333322 (VCV001333322.1), dbSNP rs2133295344, ClinGen allele CA371864881.
Genomic context (GRCh38, chr8:99,384,288, plus strand): 5'-ATACAAGGACTAGCAGTTAATATTGACCCAATCTTATATACGTGGCTCATCTATCAGCCT[C>T]AGAAACGAACAAGTAGACATATGCAACAGGTAAGAGATTTTTAAATAATTTTTTCTGTTA-3'